The following is an entry in ClinVar:

ClinVar aggregate classification (germline): Uncertain significance (1 of 4 stars; one submission).

Conditions:
Dilated cardiomyopathy 1O (CMD1O). Also called: CARDIOMYOPATHY, DILATED, WITH VENTRICULAR TACHYCARDIA. Identifiers: Orphanet 154, MedGen C1837839, MONDO:0012062, OMIM 608569.

Submission:

Labcorp Genetics (formerly Invitae), Labcorp
Classification: Uncertain significance for Dilated cardiomyopathy 1O. Last evaluated: 2023-10-15. Review status: criteria provided, single submitter. Criteria: Invitae Variant Classification Sherloc (09022015). Collection method: clinical testing. Allele origin: germline.
Comment: This sequence change replaces asparagine, which is neutral and polar, with lysine, which is basic and polar, at codon 1216 of the ABCC9 protein (p.Asn1216Lys). This variant is not present in population databases (gnomAD no frequency). This variant has not been reported in the literature in individuals affected with ABCC9-related conditions. Advanced modeling of protein sequence and biophysical properties (such as structural, functional, and spatial information, amino acid conservation, physicochemical variation, residue mobility, and thermodynamic stability) performed at Invitae indicates that this missense variant is expected to disrupt ABCC9 protein function. In summary, the available evidence is currently insufficient to determine the role of this variant in disease. Therefore, it has been classified as a Variant of Uncertain Significance.

NM_020297.4(ABCC9):c.3648C>G (p.Asn1216Lys)

Genes: ABCC9 (ATP binding cassette subfamily C member 9; minus strand), KCNJ8-AS1 (KCNJ8 antisense RNA 1; plus strand). Cytogenetic location: 12p12.1.
Variant type: single nucleotide variant.
Coding change: c.3648C>G on transcript NM_020297.4 (MANE Select); coding-DNA position 3648, C replaced by G.
Protein change: p.Asn1216Lys; replaces asparagine 1216 with lysine.
Molecular consequence: missense variant.
Genome position (GRCh38, 1-based): chr12:21,828,979, G>C on the plus strand (C>G on the coding strand, the complement: ABCC9 is on the minus strand). VCF-style: chr12-21828979-G-C. GRCh37 (hg19) VCF-style: chr12-21981913-G-C.
Other names: c.3648C>G, p.Asn1216Lys (NM_001377273.1, NM_005691.4); c.2781C>G, p.Asn927Lys (NM_001377274.1); short protein forms N927K, N1216K.
Identifiers: ClinVar variation 2766776 (VCV002766776.3), dbSNP rs2540964096, ClinGen allele CA384139948.